The following is an entry in ClinVar:

NM_001105206.3(LAMA4):c.1077+5G>A

Gene: LAMA4 (laminin subunit alpha 4; minus strand). Cytogenetic location: 6q21.
Variant type: single nucleotide variant.
Coding change: c.1077+5G>A on transcript NM_001105206.3 (MANE Select); 5 bases into the intron after coding-DNA position 1077, G replaced by A.
Molecular consequence: intron variant.
Genome position (GRCh38, 1-based): chr6:112,185,232, C>T on the plus strand (G>A on the coding strand, the complement: LAMA4 is on the minus strand). VCF-style: chr6-112185232-C-T. GRCh37 (hg19) VCF-style: chr6-112506434-C-T.
Other names: c.1056+5G>A (NM_002290.5, NM_001105207.3).
Identifiers: ClinVar variation 2579837 (VCV002579837.5), dbSNP rs782576647, ClinGen allele CA3965909.

ClinVar aggregate classification (germline): Uncertain significance. Review status: criteria provided, multiple submitters, no conflicts (2 of 4 stars). 2 submissions from 2 submitters: Uncertain significance (2). Last evaluated 2025-05-17.

Conditions:
Dilated cardiomyopathy 1JJ (CMD1JJ). Identifiers: Orphanet 154, MedGen C3808935, MONDO:0014095, OMIM 615235.

Allele frequency attached by ClinVar (database versions not stated): gnomAD 0.00001; gnomAD exomes 0.00001; TOPMed 0.00001; ExAC 0.00003.
gnomAD v4.1: 14 of 1,556,182 alleles (0.0009%); highest among the groups gnomAD compares: Admixed American, 0.0017%; no homozygotes.

Submissions (3):

Labcorp Genetics (formerly Invitae), Labcorp
Classification: Uncertain significance for Dilated cardiomyopathy 1JJ. Last evaluated: 2025-05-17. Review status: criteria provided, single submitter. Criteria: Invitae Variant Classification Sherloc (09022015). Collection method: clinical testing. Allele origin: germline.
Comment: This sequence change falls in intron 9 of the LAMA4 gene. It does not directly change the encoded amino acid sequence of the LAMA4 protein. It affects a nucleotide within the consensus splice site. This variant is present in population databases (rs782576647, gnomAD 0.007%). This variant has not been reported in the literature in individuals affected with LAMA4-related conditions. ClinVar contains an entry for this variant (Variation ID: 2579837). Variants that disrupt the consensus splice site are a relatively common cause of aberrant splicing (PMID: 17576681, 9536098). Algorithms developed to predict the effect of sequence changes on RNA splicing suggest that this variant may disrupt the consensus splice site. In summary, the available evidence is currently insufficient to determine the role of this variant in disease. Therefore, it has been classified as a Variant of Uncertain Significance.

GeneDx
Classification: Uncertain significance. Last evaluated: 2023-03-15. Review status: criteria provided, single submitter. Criteria: GeneDx Variant Classification Process June 2021. Collection method: clinical testing. Allele origin: germline. Affected: yes.
Comment: Has not been previously published as pathogenic or benign to our knowledge; In silico analysis is inconclusive as to whether the variant alters gene splicing. In the absence of RNA/functional studies, the actual effect of this sequence change is unknown.

Dr. Peter K. Rogan Lab, Western University
No classification provided (evidence only). Condition: Familial cancer of breast. Review status: no classification provided. Collection method: in vitro. Allele origin: not applicable. Functional consequence: skipped exon, retained intron. Not counted in ClinVar's aggregate classification.

Literature cited by the submitters: PubMed 17576681 (cited by Labcorp Genetics (formerly Invitae), Labcorp); PubMed 9536098 (cited by Labcorp Genetics (formerly Invitae), Labcorp).